The following is an entry in ClinVar:

NM_003924.4(PHOX2B):c.787C>A (p.Leu263Met)

Gene: PHOX2B (paired like homeobox 2B; minus strand). Cytogenetic location: 4p13.
Variant type: single nucleotide variant.
Coding change: c.787C>A on transcript NM_003924.4 (MANE Select); coding-DNA position 787, C replaced by A.
Protein change: p.Leu263Met; replaces leucine 263 with methionine.
Molecular consequence: missense variant.
Genome position (GRCh38, 1-based): chr4:41,745,965, G>T on the plus strand (C>A on the coding strand, the complement: PHOX2B is on the minus strand). VCF-style: chr4-41745965-G-T. GRCh37 (hg19) VCF-style: chr4-41747982-G-T.
Other names: short protein forms L263M.
Identifiers: ClinVar variation 5026537 (VCV005026537.1).

ClinVar aggregate classification (germline): Uncertain significance (1 of 4 stars; one submission).

Conditions:
Hereditary cancer-predisposing syndrome. Also called: Neoplastic Syndromes, Hereditary; Tumor predisposition; Hereditary neoplastic syndrome; Hereditary Cancer Syndrome. Identifiers: Orphanet 140162, MedGen C0027672, MeSH D009386, MONDO:0015356.

Submission:

Ambry Genetics
Classification: Uncertain significance for Hereditary cancer-predisposing syndrome. Last evaluated: 2026-07-06. Review status: criteria provided, single submitter. Criteria: Ambry Variant Classification Scheme 2023. Collection method: clinical testing. Allele origin: germline.
Comment: The p.L263M variant (also known as c.787C>A), located in coding exon 3 of the PHOX2B gene, results from a C to A substitution at nucleotide position 787. The leucine at codon 263 is replaced by methionine, an amino acid with highly similar properties. This amino acid position is conserved. In addition, this alteration is predicted to be tolerated by in silico analysis. Based on the available evidence, the clinical significance of this variant remains unclear.